The following is an entry in ClinVar:

NM_002454.3(MTRR):c.1544C>T (p.Ala515Val)

Gene: MTRR (5-methyltetrahydrofolate-homocysteine methyltransferase reductase; plus strand). Cytogenetic location: 5p15.31.
Variant type: single nucleotide variant.
Coding change: c.1544C>T on transcript NM_002454.3 (MANE Select); coding-DNA position 1544, C replaced by T.
Protein change: p.Ala515Val; replaces alanine 515 with valine.
Molecular consequence: missense variant. On other transcripts: non-coding transcript variant (14).
Genome position (GRCh38, 1-based): chr5:7,892,900, C>T. VCF-style: chr5-7892900-C-T. GRCh37 (hg19) VCF-style: chr5-7893013-C-T.
Other names: p.Ala515Val; c.1544C>T, p.Ala515Val (NM_001364440.2, NM_001364441.2, NM_001364442.2 and 1 more transcripts); short protein forms A515V.
Identifiers: ClinVar variation 387712 (VCV000387712.65), dbSNP rs16879355, ClinGen allele CA3195967.

ClinVar aggregate classification (germline): Benign/Likely benign. Review status: criteria provided, multiple submitters, no conflicts (2 of 4 stars). 5 submissions from 5 submitters: Benign (1); Likely benign (3). 1 of the submissions does not count toward it. Last evaluated 2026-01-24.

Conditions:
MTRR-related disorder. Also called: MTRR-related condition.
Methylcobalamin deficiency type cblE (HMAE). Also called: HOMOCYSTINURIA-MEGALOBLASTIC ANEMIA, cblE COMPLEMENTATION TYPE; HOMOCYSTINURIA-MEGALOBLASTIC ANEMIA, cblE TYPE; VITAMIN B12-RESPONSIVE HOMOCYSTINURIA, cblE TYPE. Identifiers: Orphanet 2169, Orphanet 622, MedGen C1856057, MONDO:0009354, OMIM 236270.

Allele frequency attached by ClinVar (database versions not stated): gnomAD exomes 0.00015 and 0.00041; ExAC 0.00055; gnomAD 0.00129 and 0.00145; TOPMed 0.00141; 1000 Genomes Project 0.00200; ESP Exome Variant Server 0.00200; 1000 Genomes Project 30x 0.00219.

Submissions (5):

Labcorp Genetics (formerly Invitae), Labcorp
Classification: Likely benign for Methylcobalamin deficiency type cblE. Last evaluated: 2026-01-24. Review status: criteria provided, single submitter. Criteria: Invitae Variant Classification Sherloc (09022015). Collection method: clinical testing. Allele origin: germline.

Mayo Clinic Laboratories, Mayo Clinic
Classification: Benign. Last evaluated: 2025-08-25. Review status: criteria provided, single submitter. Criteria: ACMG Guidelines, 2015. Collection method: clinical testing. Allele origin: germline. Observed: 1 variant allele.
Comment: BA1, BP4_moderate

CeGaT Center for Human Genetics Tuebingen
Classification: Likely benign. Last evaluated: 2025-05-01. Review status: criteria provided, single submitter. Criteria: CeGaT Center For Human Genetics Tuebingen Variant Classification Criteria Version 2. Collection method: clinical testing. Allele origin: germline. Affected: yes. Observed: 1 variant allele.
Comment: MTRR: BP4

GeneDx
Classification: Likely benign. Last evaluated: 2018-03-27. Review status: criteria provided, single submitter. Criteria: GeneDx Variant Classification Process June 2021. Collection method: clinical testing. Allele origin: germline. Affected: yes.
Comment: This variant is associated with the following publications: (PMID: 20031640)

PreventionGenetics, part of Exact Sciences
Classification: Likely benign for MTRR-related condition. Last evaluated: 2024-07-10. Review status: no assertion criteria provided. Collection method: clinical testing. Allele origin: germline. Not counted in ClinVar's aggregate classification.
Comment: This variant is classified as likely benign based on ACMG/AMP sequence variant interpretation guidelines (Richards et al. 2015 PMID: 25741868, with internal and published modifications).